The following is an entry in ClinVar:

NM_133261.3(GIPC3):c.731C>A (p.Ser244Tyr)

Gene: GIPC3 (GIPC PDZ domain containing family member 3; plus strand). Cytogenetic location: 19p13.3.
Variant type: single nucleotide variant.
Coding change: c.731C>A on transcript NM_133261.3 (MANE Select); coding-DNA position 731, C replaced by A.
Protein change: p.Ser244Tyr; replaces serine 244 with tyrosine.
Molecular consequence: missense variant.
Genome position (GRCh38, 1-based): chr19:3,589,856, C>A. VCF-style: chr19-3589856-C-A. GRCh37 (hg19) VCF-style: chr19-3589854-C-A.
Other names: c.731C>A, p.Ser244Tyr (NM_001411144.1); short protein forms S244Y.
Identifiers: ClinVar variation 2191557 (VCV002191557.2), dbSNP rs200909888, ClinGen allele CA9080534.

ClinVar aggregate classification (germline): Uncertain significance (1 of 4 stars; one submission).

Allele frequency attached by ClinVar (database versions not stated): gnomAD 0.00001; TOPMed 0.00001; ExAC 0.00002.
gnomAD v4.1: 14 of 1,613,790 alleles (0.00087%); highest among the groups gnomAD compares: Non-Finnish European, 0.0012%; no homozygotes.

Submission:

Labcorp Genetics (formerly Invitae), Labcorp
Classification: Uncertain significance. Last evaluated: 2022-10-13. Review status: criteria provided, single submitter. Criteria: Invitae Variant Classification Sherloc (09022015). Collection method: clinical testing. Allele origin: germline.
Comment: In summary, the available evidence is currently insufficient to determine the role of this variant in disease. Therefore, it has been classified as a Variant of Uncertain Significance. Advanced modeling of protein sequence and biophysical properties (such as structural, functional, and spatial information, amino acid conservation, physicochemical variation, residue mobility, and thermodynamic stability) performed at Invitae indicates that this missense variant is not expected to disrupt GIPC3 protein function. This variant has not been reported in the literature in individuals affected with GIPC3-related conditions. This variant is present in population databases (rs200909888, gnomAD 0.003%). This sequence change replaces serine, which is neutral and polar, with tyrosine, which is neutral and polar, at codon 244 of the GIPC3 protein (p.Ser244Tyr).